The following is an entry in ClinVar:

ClinVar aggregate classification (germline): Pathogenic (1 of 4 stars; one submission).

Conditions:
Hereditary factor XI deficiency disease. Also called: PLASMA THROMBOPLASTIN ANTECEDENT DEFICIENCY; PTA DEFICIENCY; ROSENTHAL SYNDROME; Congenital factor XI deficiency. Identifiers: Orphanet 329, MedGen C0015523, MeSH D005173, MONDO:0012897, OMIM 612416.

Submission:

Myriad Genetics, Inc.
Classification: Pathogenic for Hereditary factor XI deficiency disease. Last evaluated: 2024-05-14. Review status: criteria provided, single submitter. Criteria: Myriad Autosomal Dominant, Autosomal Recessive and X-Linked Classification Criteria (2023). Collection method: clinical testing. Allele origin: unknown.
Comment: NM_000128.3(F11):c.612_613ins19(F205Tfs*9) is expected to be pathogenic in the context of factor XI deficiency. This variant is predicted to lead to an abnormal or absent protein product due to the creation of a premature termination codon in F11, a gene where loss-of-function variants are known to be pathogenic. Please note: this variant was assessed in the context of healthy population screening.

NM_000128.4(F11):c.612_613insACTGTCTCTTATACACATC (p.Phe205fs)

Gene: F11 (coagulation factor XI; plus strand). Cytogenetic location: 4q35.2.
Variant type: Insertion.
Coding change: c.612_613insACTGTCTCTTATACACATC on transcript NM_000128.4 (MANE Select); coding-DNA positions 612 to 613, ACTGTCTCTTATACACATC inserted.
Protein change: p.Phe205fs; shifts the reading frame from phenylalanine 205.
Molecular consequence: frameshift variant. On other transcripts: intron variant (4).
Genome position: GRCh38 VCF-style: chr4-186276247-T-TACTGTCTCTTATACACATC. GRCh37 (hg19) VCF-style: chr4-187197401-T-TACTGTCTCTTATACACATC.
Other names: c.612_613insACTGTCTCTTATACACATC, p.Phe205fs (NM_001440590.1, NM_001440593.1, NM_001440596.1); c.485+1972_485+1973insACTGTCTCTTATACACATC (NM_001440605.1, NM_001440607.1, NM_001440606.1 and 1 more transcripts); short protein forms F205fs.
Identifiers: ClinVar variation 5010790 (VCV005010790.1).